The following is an entry in ClinVar:

ClinVar aggregate classification (germline): Benign/Likely benign. Review status: criteria provided, multiple submitters, no conflicts (2 of 4 stars). 6 submissions from 2 submitters: Benign (5); Likely benign (1). Last evaluated 2021-11-04.

Conditions:
Congenital myasthenic syndrome 16. Identifiers: Orphanet 590, MedGen C3280112, MONDO:0013620, OMIM 614198.
Hyperkalemic periodic paralysis. Also called: Familial hyperkalemic periodic paralysis; Gamstorp disease. Identifiers: Orphanet 682, MedGen C0238357, MONDO:0008224, OMIM 170500, HP:0007215.
Hypokalemic periodic paralysis, type 2 (HOKPP2). Identifiers: Orphanet 681, MedGen C2750061, MONDO:0013234, OMIM 613345.
Paramyotonia congenita of Von Eulenburg. Also called: Paramyotonia Congenita; PARALYSIS PERIODICA PARAMYOTONICA; Eulenburg disease; Myotonia congenita intermittens; Von Eulenburg paramyotonia congenita. Identifiers: Orphanet 684, MedGen C0221055, MONDO:0008195, OMIM 168300. Disease mechanism: loss of function.
Potassium-aggravated myotonia. Also called: Myotonia congenita, atypical, acetazolamide-responsive; MYOTONIA CONGENITA, ACETAZOLAMIDE-RESPONSIVE; MYOTONIA CONGENITA, ATYPICAL; SODIUM CHANNEL MUSCLE DISEASE. Identifiers: Orphanet 612, Orphanet 99734, Orphanet 99735, Orphanet 99736, MedGen C2931826, MONDO:0018959, OMIM 608390.

Allele frequency attached by ClinVar (database versions not stated): gnomAD 0.00707 and 0.00759; 1000 Genomes Project 30x 0.00968; TOPMed 0.00844; 1000 Genomes Project 0.00879.

Submissions (6):

GeneDx
Classification: Likely benign. Last evaluated: 2021-11-04. Review status: criteria provided, single submitter. Criteria: GeneDx Variant Classification Process June 2021. Collection method: clinical testing. Allele origin: germline. Affected: yes.
Comment: See Variant Classification Assertion Criteria.

Illumina Laboratory Services, Illumina
Classification: Benign for Paramyotonia congenita of Von Eulenburg. Last evaluated: 2018-01-13. Review status: criteria provided, single submitter. Criteria: ICSL Variant Classification Criteria 13 December 2019. Collection method: clinical testing. Allele origin: germline.
Comment: This variant was observed in the ICSL laboratory as part of a predisposition screen in an ostensibly healthy population. It had not been previously curated by ICSL or reported in the Human Gene Mutation Database (HGMD: prior to June 1st, 2018), and was therefore a candidate for classification through an automated scoring system. Utilizing variant allele frequency, disease prevalence and penetrance estimates, and inheritance mode, an automated score was calculated to assess if this variant is too frequent to cause the disease. Based on the score and internal cut-off values, a variant classified as benign is not then subjected to further curation. The score for this variant resulted in a classification of benign for this disease.

Illumina Laboratory Services, Illumina
Classification: Benign for Hyperkalemic periodic paralysis. Last evaluated: 2018-01-13. Review status: criteria provided, single submitter. Criteria: ICSL Variant Classification Criteria 13 December 2019. Collection method: clinical testing. Allele origin: germline.
Comment: the same text as in the submission from Illumina Laboratory Services, Illumina above.

Illumina Laboratory Services, Illumina
Classification: Benign for Potassium-aggravated myotonia. Last evaluated: 2018-01-13. Review status: criteria provided, single submitter. Criteria: ICSL Variant Classification Criteria 13 December 2019. Collection method: clinical testing. Allele origin: germline.
Comment: the same text as in the submission from Illumina Laboratory Services, Illumina above.

Illumina Laboratory Services, Illumina
Classification: Benign for Congenital myasthenic syndrome 16. Last evaluated: 2018-01-13. Review status: criteria provided, single submitter. Criteria: ICSL Variant Classification Criteria 13 December 2019. Collection method: clinical testing. Allele origin: germline.
Comment: the same text as in the submission from Illumina Laboratory Services, Illumina above.

Illumina Laboratory Services, Illumina
Classification: Benign for Hypokalemic periodic paralysis, type 2. Last evaluated: 2018-01-13. Review status: criteria provided, single submitter. Criteria: ICSL Variant Classification Criteria 13 December 2019. Collection method: clinical testing. Allele origin: germline.
Comment: the same text as in the submission from Illumina Laboratory Services, Illumina above.

NM_000334.4(SCN4A):c.*1088A>G

Genes: GH-LCR (growth hormone locus control region; plus strand), SCN4A (sodium voltage-gated channel alpha subunit 4; minus strand). Cytogenetic location: 17q23.3.
Variant type: single nucleotide variant.
Coding change: c.*1088A>G on transcript NM_000334.4 (MANE Select); 1088 bases downstream of the stop codon, A replaced by G.
Molecular consequence: 3 prime UTR variant.
Genome position (GRCh38, 1-based): chr17:63,939,683, T>C on the plus strand (A>G on the coding strand, the complement: SCN4A is on the minus strand). VCF-style: chr17-63939683-T-C. GRCh37 (hg19) VCF-style: chr17-62017043-T-C.
Identifiers: ClinVar variation 324488 (VCV000324488.6), dbSNP rs77725962, ClinGen allele CA10650642.